The following is an entry in ClinVar:

NM_001458.5(FLNC):c.2918del (p.Gly973fs)

Gene: FLNC (filamin C; plus strand). Cytogenetic location: 7q32.1.
Variant type: Deletion.
Coding change: c.2918del on transcript NM_001458.5 (MANE Select); coding-DNA position 2918, one base deleted (G; older notation c.2918delG).
Protein change: p.Gly973fs; shifts the reading frame from glycine 973.
Molecular consequence: frameshift variant.
Genome position (GRCh38, 1-based): chr7:128,843,902, G deleted; the last of 3 consecutive G bases (chr7:128,843,900-128,843,902); deleting any one gives the same sequence. VCF-style (leftmost placement, unchanged base first): chr7-128843899-AG-A. GRCh37 (hg19) VCF-style: chr7-128483953-AG-A.
Other names: c.2918del, p.Gly973fs (NM_001127487.2); short protein forms G973fs.
Identifiers: ClinVar variation 2019122 (VCV002019122.4), dbSNP rs1808445116, ClinGen allele CA1742581761.

ClinVar aggregate classification (germline): Pathogenic (1 of 4 stars; one submission).

Conditions:
Myofibrillar myopathy 5. Also called: Filaminopathy (type); FILAMINOPATHY, AUTOSOMAL DOMINANT. Identifiers: Orphanet 171445, MedGen C1836050, MONDO:0012289, OMIM 609524.
Distal myopathy with posterior leg and anterior hand involvement. Also called: WILLIAMS DISTAL MYOPATHY. Identifiers: Orphanet 63273, MedGen C3279722, MONDO:0013550, OMIM 614065.
Hypertrophic cardiomyopathy 26. Also called: Cardiomyopathy, familial hypertrophic, 26. Identifiers: Orphanet 75249, MedGen C4310749, MONDO:0014883, OMIM 617047.

Submission:

Labcorp Genetics (formerly Invitae), Labcorp
Classification: Pathogenic for Distal myopathy with posterior leg and anterior hand involvement; Myofibrillar myopathy 5; Hypertrophic cardiomyopathy 26. Last evaluated: 2022-07-23. Review status: criteria provided, single submitter. Criteria: Invitae Variant Classification Sherloc (09022015). Collection method: clinical testing. Allele origin: germline.
Comment: For these reasons, this variant has been classified as Pathogenic. This variant has not been reported in the literature in individuals affected with FLNC-related conditions. This variant is not present in population databases (gnomAD no frequency). This sequence change creates a premature translational stop signal (p.Gly973Alafs*16) in the FLNC gene. It is expected to result in an absent or disrupted protein product. Loss-of-function variants in FLNC are known to be pathogenic (PMID: 27908349).

Literature cited by the submitters: PubMed 27908349.